The following is an entry in ClinVar:

NM_001365276.2(TNXB):c.9455G>C (p.Ser3152Thr)

Gene: TNXB (tenascin XB; minus strand). Cytogenetic location: 6p21.33.
Variant type: single nucleotide variant.
Coding change: c.9455G>C on transcript NM_001365276.2 (MANE Select); coding-DNA position 9455, G replaced by C.
Protein change: p.Ser3152Thr; replaces serine 3152 with threonine.
Molecular consequence: missense variant.
Genome position (GRCh38, 1-based): chr6:32,049,572, C>G on the plus strand (G>C on the coding strand, the complement: TNXB is on the minus strand). VCF-style: chr6-32049572-C-G. GRCh37 (hg19) VCF-style: chr6-32017349-C-G.
Other names: p.Ser3150Thr; c.9449G>C, p.Ser3150Thr (NM_019105.8); short protein forms S3150T, S3152T.
Identifiers: ClinVar variation 1220118 (VCV001220118.8), dbSNP rs533227887, ClinGen allele CA3733516.

ClinVar aggregate classification (germline): Uncertain significance. Review status: criteria provided, multiple submitters, no conflicts (2 of 4 stars). 3 submissions from 3 submitters: Uncertain significance (3). Last evaluated 2025-12-02.

Conditions:
Cardiovascular phenotype. Identifiers: MedGen CN230736.

Allele frequency attached by ClinVar (database versions not stated): ExAC 0.00001; gnomAD 0.00012 and 0.00009; 1000 Genomes Project 30x 0.00016; 1000 Genomes Project 0.00020; gnomAD exomes 0.00002 and 0.00001; TOPMed 0.00035.
gnomAD v4.1: 31 of 1,611,366 alleles (0.0019%); highest among the groups gnomAD compares: Admixed American, 0.037%; no homozygotes.

Submissions (3):

Ambry Genetics
Classification: Uncertain significance for Cardiovascular phenotype. Last evaluated: 2025-12-02. Review status: criteria provided, single submitter. Criteria: Ambry Variant Classification Scheme 2023. Collection method: clinical testing. Allele origin: germline.

Mayo Clinic Laboratories, Mayo Clinic
Classification: Uncertain significance. Last evaluated: 2025-07-29. Review status: criteria provided, single submitter. Criteria: ACMG Guidelines, 2015. Collection method: clinical testing. Allele origin: germline. Observed: 1 variant allele.
Comment: BP4_moderate

GeneDx
Classification: Uncertain significance. Last evaluated: 2024-03-29. Review status: criteria provided, single submitter. Criteria: GeneDx Variant Classification Process June 2021. Collection method: clinical testing. Allele origin: germline. Affected: yes.
Comment: Has not been previously published as pathogenic or benign to our knowledge; Not observed at significant frequency in large population cohorts (gnomAD); In silico analysis supports that this missense variant does not alter protein structure/function